The following is an entry in ClinVar:

ClinVar aggregate classification (germline): Uncertain significance. Review status: criteria provided, multiple submitters, no conflicts (2 of 4 stars). 2 submissions from 2 submitters: Uncertain significance (2). Last evaluated 2023-01-04.

Conditions:
Inborn genetic diseases. Identifiers: MedGen C0950123, MeSH D030342.

Allele frequency attached by ClinVar (database versions not stated): gnomAD exomes 0.00002; TOPMed 0.00011; 1000 Genomes Project 30x 0.00016; ESP Exome Variant Server 0.00023.
gnomAD v4.1: 37 of 1,613,900 alleles (0.0023%); highest among the groups gnomAD compares: African/African-American, 0.035%; no homozygotes.

Submissions (2):

Women's Health and Genetics/Laboratory Corporation of America, LabCorp
Classification: Uncertain significance. Last evaluated: 2023-01-04. Review status: criteria provided, single submitter. Criteria: LabCorp Variant Classification Summary - May 2015. Collection method: clinical testing. Allele origin: germline.
Comment: Variant summary: TRMT1 c.1228C>T (p.Arg410Cys) results in a non-conservative amino acid change in the encoded protein sequence. Four of five in-silico tools predict a damaging effect of the variant on protein function. The variant allele was found at a frequency of 4e-05 in 250664 control chromosomes. This frequency does not allow conclusions about variant significance. To our knowledge, no occurrence of c.1228C>T in individuals affected with Intellectual Developmental Disorder, Autosomal Recessive 68 and no experimental evidence demonstrating its impact on protein function have been reported. No clinical diagnostic laboratories have submitted clinical-significance assessments for this variant to ClinVar after 2014. Based on the evidence outlined above, the variant was classified as uncertain significance.

Ambry Genetics
Classification: Uncertain significance for Inborn genetic diseases. Last evaluated: 2021-08-19. Review status: criteria provided, single submitter. Criteria: Ambry Variant Classification Scheme 2023. Collection method: clinical testing. Allele origin: germline.

NM_001136035.4(TRMT1):c.1228C>T (p.Arg410Cys)

Gene: TRMT1 (tRNA methyltransferase 1; minus strand). Cytogenetic location: 19p13.13.
Variant type: single nucleotide variant.
Coding change: c.1228C>T on transcript NM_001136035.4 (MANE Select); coding-DNA position 1228, C replaced by T.
Protein change: p.Arg410Cys; replaces arginine 410 with cysteine.
Molecular consequence: missense variant.
Genome position (GRCh38, 1-based): chr19:13,109,633, G>A on the plus strand (C>T on the coding strand, the complement: TRMT1 is on the minus strand). VCF-style: chr19-13109633-G-A. GRCh37 (hg19) VCF-style: chr19-13220447-G-A.
Other names: c.1141C>T, p.Arg381Cys (NM_001142554.3, NM_001351760.2); c.1120C>T, p.Arg374Cys (NM_001351761.2); c.445C>T, p.Arg149Cys (NM_001351762.2); c.1228C>T, p.Arg410Cys (NM_017722.5); short protein forms R410C, R149C, R374C, R381C.
Identifiers: ClinVar variation 2279810 (VCV002279810.5), dbSNP rs147243880, ClinGen allele CA9237717.